The following is an entry in ClinVar:

ClinVar aggregate classification (germline): Uncertain significance (1 of 4 stars; one submission).

Conditions:
DICER1-related tumor predisposition. Also called: DICER1-related pleuropulmonary blastoma cancer predisposition syndrome; DICER1 syndrome. Identifiers: Orphanet 284343, MedGen C3839822, MONDO:0100216.

Submission:

Labcorp Genetics (formerly Invitae), Labcorp
Classification: Uncertain significance for DICER1-related tumor predisposition. Last evaluated: 2023-03-26. Review status: criteria provided, single submitter. Criteria: Invitae Variant Classification Sherloc (09022015). Collection method: clinical testing. Allele origin: germline.
Comment: This variant is not present in population databases (gnomAD no frequency). This sequence change replaces glutamic acid, which is acidic and polar, with lysine, which is basic and polar, at codon 470 of the DICER1 protein (p.Glu470Lys). This variant has not been reported in the literature in individuals affected with DICER1-related conditions. ClinVar contains an entry for this variant (Variation ID: 1368355). Advanced modeling of protein sequence and biophysical properties (such as structural, functional, and spatial information, amino acid conservation, physicochemical variation, residue mobility, and thermodynamic stability) performed at Invitae indicates that this missense variant is not expected to disrupt DICER1 protein function. In summary, the available evidence is currently insufficient to determine the role of this variant in disease. Therefore, it has been classified as a Variant of Uncertain Significance.

NM_177438.3(DICER1):c.1408G>A (p.Glu470Lys)

Gene: DICER1 (dicer 1, ribonuclease III; minus strand). Cytogenetic location: 14q32.13.
Variant type: single nucleotide variant.
Coding change: c.1408G>A on transcript NM_177438.3 (MANE Select); coding-DNA position 1408, G replaced by A.
Protein change: p.Glu470Lys; replaces glutamic acid 470 with lysine.
Molecular consequence: missense variant.
Genome position (GRCh38, 1-based): chr14:95,117,723, C>T on the plus strand (G>A on the coding strand, the complement: DICER1 is on the minus strand). VCF-style: chr14-95117723-C-T. GRCh37 (hg19) VCF-style: chr14-95584060-C-T.
Other names: c.1408G>A, p.Glu470Lys (NM_001195573.1, NM_001271282.3, NM_001291628.2 and 1 more transcripts); short protein forms E470K.
Identifiers: ClinVar variation 1368355 (VCV001368355.7), dbSNP rs886037671, ClinGen allele CA390885636.